The following is an entry in ClinVar:

NM_001853.4(COL9A3):c.528dup (p.Ile177fs)

Gene: COL9A3 (collagen type IX alpha 3 chain; plus strand). Cytogenetic location: 20q13.33.
Variant type: Duplication.
Coding change: c.528dup on transcript NM_001853.4 (MANE Select); coding-DNA position 528, one base duplicated (T; older notation c.528dupT).
Protein change: p.Ile177fs; shifts the reading frame from isoleucine 177.
Molecular consequence: frameshift variant.
Genome position (GRCh38, 1-based): chr20:62,824,453, T duplicated. VCF-style (leftmost placement, unchanged base first): chr20-62824452-G-GT. GRCh37 (hg19) VCF-style: chr20-61455804-G-GT.
Other names: short protein forms I177fs.
Identifiers: ClinVar variation 1702389 (VCV001702389.7), dbSNP rs2147205530, ClinGen allele CA2577448175.

ClinVar aggregate classification (germline): Pathogenic/Likely pathogenic. Review status: criteria provided, multiple submitters, no conflicts (2 of 4 stars). 3 submissions from 3 submitters: Pathogenic (1); Likely pathogenic (2). Last evaluated 2025-12-29.

Conditions:
Connective tissue disorder. Also called: Connective tissue disease. Identifiers: MedGen C0009782, MONDO:0003900.
COL9A3-related disorders.

Allele frequency attached by ClinVar (database versions not stated): gnomAD exomes below 0.00001.

Submissions (3):

Labcorp Genetics (formerly Invitae), Labcorp
Classification: Pathogenic. Last evaluated: 2025-12-29. Review status: criteria provided, single submitter. Criteria: Invitae Variant Classification Sherloc (09022015). Collection method: clinical testing. Allele origin: germline.
Comment: This sequence change creates a premature translational stop signal (p.Ile177Tyrfs*36) in the COL9A3 gene. It is expected to result in an absent or disrupted protein product. Loss-of-function variants in COL9A3 are known to be pathogenic (PMID: 24273071, 31090205). This variant is not present in population databases (gnomAD no frequency). This variant has not been reported in the literature in individuals affected with COL9A3-related conditions. ClinVar contains an entry for this variant (Variation ID: 1702389). For these reasons, this variant has been classified as Pathogenic.

Blueprint Genetics
Classification: Likely pathogenic for COL9A3-related disorders. Last evaluated: 2021-07-19. Review status: criteria provided, single submitter. Criteria: ACMG Guidelines, 2015. Collection method: clinical testing. Allele origin: germline. Affected: yes. Observed: 1 variant allele.

Genome Diagnostics Laboratory, The Hospital for Sick Children
Classification: Likely pathogenic for Connective tissue disorder. Last evaluated: 2021-04-08. Review status: criteria provided, single submitter. Criteria: ACMG Guidelines, 2015. Collection method: clinical testing. Allele origin: germline.

Literature cited by the submitters: PubMed 24273071 (cited by Labcorp Genetics (formerly Invitae), Labcorp); PubMed 31090205 (cited by Labcorp Genetics (formerly Invitae), Labcorp).